The following is an entry in ClinVar:

ClinVar aggregate classification (germline): Likely pathogenic (1 of 4 stars; one submission).

Conditions:
Episodic kinesigenic dyskinesia (EKD). Also called: Paroxysmal kinesigenic dyskinesia. Identifiers: Orphanet 98809, MedGen C1868682, MONDO:0044202.

Submission:

Labcorp Genetics (formerly Invitae), Labcorp
Classification: Likely pathogenic for Episodic kinesigenic dyskinesia. Last evaluated: 2024-01-03. Review status: criteria provided, single submitter. Criteria: Invitae Variant Classification Sherloc (09022015). Collection method: clinical testing. Allele origin: germline.
Comment: This sequence change replaces glycine, which is neutral and non-polar, with alanine, which is neutral and non-polar, at codon 305 of the PRRT2 protein (p.Gly305Ala). This variant is not present in population databases (gnomAD no frequency). This variant has not been reported in the literature in individuals affected with PRRT2-related conditions. ClinVar contains an entry for this variant (Variation ID: 1062745). Advanced modeling of protein sequence and biophysical properties (such as structural, functional, and spatial information, amino acid conservation, physicochemical variation, residue mobility, and thermodynamic stability) performed at Invitae indicates that this missense variant is expected to disrupt PRRT2 protein function with a positive predictive value of 95%. This variant disrupts the p.Gly305 amino acid residue in PRRT2. Other variant(s) that disrupt this residue have been determined to be pathogenic (PMID: 22209761, 22895590, 30198221, 30392205). This suggests that this residue is clinically significant, and that variants that disrupt this residue are likely to be disease-causing. In summary, the currently available evidence indicates that the variant is pathogenic, but additional data are needed to prove that conclusively. Therefore, this variant has been classified as Likely Pathogenic.

Literature cited by the submitters: PubMed 22209761; PubMed 22895590; PubMed 30198221; PubMed 30392205.

NM_145239.3(PRRT2):c.914G>C (p.Gly305Ala)

Genes: MVP-DT (MVP divergent transcript; minus strand), PRRT2 (proline rich transmembrane protein 2; plus strand). Cytogenetic location: 16p11.2.
Variant type: single nucleotide variant.
Coding change: c.914G>C on transcript NM_145239.3 (MANE Select); coding-DNA position 914, G replaced by C.
Protein change: p.Gly305Ala; replaces glycine 305 with alanine.
Molecular consequence: missense variant. On other transcripts: 3 prime UTR variant (1).
Genome position (GRCh38, 1-based): chr16:29,814,367, G>C. VCF-style: chr16-29814367-G-C. GRCh37 (hg19) VCF-style: chr16-29825688-G-C.
Other names: c.914G>C, p.Gly305Ala (NM_001256442.2); c.*413G>C (NM_001256443.2); short protein forms G305A.
Identifiers: ClinVar variation 1062745 (VCV001062745.9), dbSNP rs1220798796, ClinGen allele CA395480575.